The following is an entry in ClinVar:

ClinVar aggregate classification (germline): Conflicting classifications of pathogenicity. Review status: criteria provided, conflicting classifications (1 of 4 stars). 3 submissions from 3 submitters: Pathogenic (1); Uncertain significance (1). 1 of the submissions does not count toward it. Last evaluated 2025-09-08.

Conditions:
Early-infantile DEE. Also called: Early infantile epileptic encephalopathy; Early infantile epileptic encephalopathy with suppression bursts; Ohtahara syndrome. Identifiers: Orphanet 1934, MedGen C0393706, MONDO:0800491.
Severe myoclonic epilepsy in infancy (DRVT). Also called: SEVERE MYOCLONIC EPILEPSY OF INFANCY; DEVELOPMENTAL AND EPILEPTIC ENCEPHALOPATHY 6A; Severe Myoclonic Epilepsy in Infancy (SMEI); Dravet syndrome; Epileptic encephalopathy, early infantile, 6 (Dravet syndrome). Identifiers: Orphanet 33069, MedGen C0751122, MONDO:0100135, OMIM 607208.

Submissions (3):

Labcorp Genetics (formerly Invitae), Labcorp
Classification: Pathogenic for Early-infantile DEE. Last evaluated: 2025-09-08. Review status: criteria provided, single submitter. Criteria: Invitae Variant Classification Sherloc (09022015). Collection method: clinical testing. Allele origin: germline.
Comment: This sequence change replaces leucine, which is neutral and non-polar, with serine, which is neutral and polar, at codon 1514 of the SCN1A protein (p.Leu1514Ser). This variant is not present in population databases (gnomAD no frequency). This missense change has been observed in individual(s) with Dravet syndrome (PMID: 20522430, 38116874; internal data). In at least one individual the variant was observed to be de novo. This variant is also known as c.4508T>C, p.Leu1503Ser. ClinVar contains an entry for this variant (Variation ID: 68635). Invitae Evidence Modeling of protein sequence and biophysical properties (such as structural, functional, and spatial information, amino acid conservation, physicochemical variation, residue mobility, and thermodynamic stability) indicates that this missense variant is expected to disrupt SCN1A protein function with a positive predictive value of 95%. For these reasons, this variant has been classified as Pathogenic.

Athena Diagnostics
Classification: Uncertain significance. Last evaluated: 2016-11-30. Review status: criteria provided, single submitter. Criteria: Athena Diagnostics Criteria. Collection method: clinical testing. Allele origin: germline.

UniProtKB/Swiss-Prot
No classification provided. Condition: Severe myoclonic epilepsy in infancy. Review status: no classification provided. Collection method: not provided. Allele origin: germline. Not counted in ClinVar's aggregate classification.

Literature cited by the submitters: PubMed 20522430 (cited by Labcorp Genetics (formerly Invitae), Labcorp and Athena Diagnostics); PubMed 38116874 (cited by Labcorp Genetics (formerly Invitae), Labcorp).

NM_001165963.4(SCN1A):c.4541T>C (p.Leu1514Ser)

Genes: SCN1A (sodium voltage-gated channel alpha subunit 1; minus strand), LOC102724058 (uncharacterized LOC102724058; plus strand). Cytogenetic location: 2q24.3.
Variant type: single nucleotide variant.
Coding change: c.4541T>C on transcript NM_001165963.4 (MANE Select); coding-DNA position 4541, T replaced by C.
Protein change: p.Leu1514Ser; replaces leucine 1514 with serine.
Molecular consequence: missense variant. On other transcripts: non-coding transcript variant (1).
Genome position (GRCh38, 1-based): chr2:165,996,053, A>G on the plus strand (T>C on the coding strand, the complement: SCN1A is on the minus strand). VCF-style: chr2-165996053-A-G. GRCh37 (hg19) VCF-style: chr2-166852563-A-G.
Other names: c.4457T>C, p.Leu1486Ser (NM_001165964.3, NM_001353957.2, NM_001353958.2); c.4541T>C, p.Leu1514Ser (NM_001202435.3, NM_001353948.2); c.4508T>C, p.Leu1503Ser (NM_001353949.2, NM_001353950.2, NM_001353951.2 and 2 more transcripts); c.4505T>C, p.Leu1502Ser (NM_001353954.2, NM_001353955.2); c.4454T>C, p.Leu1485Ser (NM_001353960.2); c.2099T>C, p.Leu700Ser (NM_001353961.2); short protein forms L1503S, L1514S, L1486S, L1485S, L1502S, L700S.
Identifiers: ClinVar variation 68635 (VCV000068635.9), dbSNP rs121918764, ClinGen allele CA285177.
Genomic context (GRCh38, chr2:165,996,053, plus strand): 5'-TATCATTTGATACTTCTTACTCCTGGTCGAGGTATAGGCTTTTGCGGTTTTTTCGATCCT[A>G]ATTTTTTCATTGCATTATAGTATTTCTTCTGTTCTTCTGTCATAAAGATGTCTTGACCTC-3'
Protein context (NP_001159435.1, residues 1504-1524): QKKYYNAMKK[Leu1514Ser]GSKKPQKPIP